The following is an entry in ClinVar:

NM_005751.5(AKAP9):c.6209A>T (p.Asp2070Val)

Gene: AKAP9 (A-kinase anchoring protein 9; plus strand). Cytogenetic location: 7q21.2.
Variant type: single nucleotide variant.
Coding change: c.6209A>T on transcript NM_005751.5 (MANE Select); coding-DNA position 6209, A replaced by T.
Protein change: p.Asp2070Val; replaces aspartic acid 2070 with valine.
Molecular consequence: missense variant.
Genome position (GRCh38, 1-based): chr7:92,065,462, A>T. VCF-style: chr7-92065462-A-T. GRCh37 (hg19) VCF-style: chr7-91694776-A-T.
Other names: c.854A>T, p.Asp285Val (NM_001379277.1); c.6209A>T, p.Asp2070Val (NM_147185.3); short protein forms D2070V, D285V.
Identifiers: ClinVar variation 2884455 (VCV002884455.3), dbSNP rs1387293488, ClinGen allele CA368132987.

ClinVar aggregate classification (germline): Uncertain significance (1 of 4 stars; one submission).

Conditions:
Long QT syndrome (LQTS). Identifiers: MedGen C0023976, MeSH D008133, MONDO:0002442. Disease mechanism: loss of function. Inheritance: Various modes of inheritance.

Allele frequency attached by ClinVar (database versions not stated): gnomAD exomes below 0.00001.
gnomAD v4.1: 4 of 1,599,050 alleles (0.00025%); highest among the groups gnomAD compares: Admixed American, 0.0067%; no homozygotes.

Submission:

Labcorp Genetics (formerly Invitae), Labcorp
Classification: Uncertain significance for Long QT syndrome. Last evaluated: 2024-08-11. Review status: criteria provided, single submitter. Criteria: Invitae Variant Classification Sherloc (09022015). Collection method: clinical testing. Allele origin: germline.
Comment: This sequence change replaces aspartic acid, which is acidic and polar, with valine, which is neutral and non-polar, at codon 2070 of the AKAP9 protein (p.Asp2070Val). This variant is present in population databases (no rsID available, gnomAD 0.009%). This variant has not been reported in the literature in individuals affected with AKAP9-related conditions. An algorithm developed to predict the effect of missense changes on protein structure and function (PolyPhen-2) suggests that this variant is likely to be disruptive. In summary, the available evidence is currently insufficient to determine the role of this variant in disease. Therefore, it has been classified as a Variant of Uncertain Significance.